The following is an entry in ClinVar:

ClinVar aggregate classification (germline): Uncertain significance (1 of 4 stars; one submission).

Conditions:
Inborn genetic diseases. Identifiers: MedGen C0950123, MeSH D030342.

gnomAD v4.1: 1 of 1,614,024 alleles (0.000062%); highest among the groups gnomAD compares: South Asian, 0.0011%; no homozygotes.

Submission:

Ambry Genetics
Classification: Uncertain significance for Inborn genetic diseases. Last evaluated: 2021-06-11. Review status: criteria provided, single submitter. Criteria: Ambry Variant Classification Scheme 2023. Collection method: clinical testing. Allele origin: germline.
Comment: The p.S280C variant (also known as c.839C>G), located in coding exon 2 of the SMAD6 gene, results from a C to G substitution at nucleotide position 839. The serine at codon 280 is replaced by cysteine, an amino acid with dissimilar properties. This amino acid position is conserved. In addition, this alteration is predicted to be deleterious by in silico analysis. Since supporting evidence is limited at this time, the clinical significance of this alteration remains unclear.

NM_005585.5(SMAD6):c.839C>G (p.Ser280Cys)

Gene: SMAD6 (SMAD family member 6; plus strand). Cytogenetic location: 15q22.31.
Variant type: single nucleotide variant.
Coding change: c.839C>G on transcript NM_005585.5 (MANE Select); coding-DNA position 839, C replaced by G.
Protein change: p.Ser280Cys; replaces serine 280 with cysteine.
Molecular consequence: missense variant. On other transcripts: non-coding transcript variant (1).
Genome position (GRCh38, 1-based): chr15:66,711,689, C>G. VCF-style: chr15-66711689-C-G. GRCh37 (hg19) VCF-style: chr15-67004027-C-G.
Other names: short protein forms S280C.
Identifiers: ClinVar variation 1763218 (VCV001763218.2), dbSNP rs2545322703, ClinGen allele CA392951070.